The following is an entry in ClinVar:

ClinVar aggregate classification (germline): Uncertain significance. Review status: criteria provided, multiple submitters, no conflicts (2 of 4 stars). 2 submissions from 2 submitters: Uncertain significance (2). Last evaluated 2024-05-30.

Conditions:
Ehlers-Danlos syndrome, type 4 (EDSVASC). Also called: Ehlers-Danlos syndrome vascular type; Ehlers Danlos syndrome, ecchymotic type; Ehlers Danlos syndrome, arterial type; Ehlers Danlos syndrome, Sack-Barabas type; Ehlers-Danlos Syndrome Type IV. Identifiers: Orphanet 286, MedGen C0268338, MONDO:0017314, OMIM 130050.

Allele frequency attached by ClinVar (database versions not stated): gnomAD exomes 0.00002; ExAC 0.00005.
gnomAD v4.1: 9 of 1,613,140 alleles (0.00056%); highest among the groups gnomAD compares: Non-Finnish European, 0.00076%; no homozygotes.

Submissions (2):

All of Us Research Program, National Institutes of Health
Classification: Uncertain significance for Ehlers-Danlos syndrome, type 4. Last evaluated: 2024-05-30. Review status: criteria provided, single submitter. Criteria: ACMG Guidelines, 2015. Collection method: clinical testing. Allele origin: germline. Inheritance: Autosomal dominant inheritance. Observed: 1 variant allele, 1 heterozygote.
Comment: This missense variant replaces aspartic acid with tyrosine at codon 742 of the COL3A1 protein. Computational prediction tools indicate that this variant's impact on protein structure and function is inconclusive. To our knowledge, functional studies have not been reported for this variant. This variant has been reported in one individual suspected to be affected with an inherited bleeding disorder (PMID: 33161638). This variant has been identified in 7/249122 chromosomes in the general population by the Genome Aggregation Database (gnomAD). The available evidence is insufficient to determine the role of this variant in disease conclusively. Therefore, this variant is classified as a Variant of Uncertain Significance.

This study involves interpretation of variants in research participants for the purpose of population health screening. Participant phenotype was not available at the time of variant classification. Additional details can be found in publication PMID: 35346344, PMCID: PMC8962531

Labcorp Genetics (formerly Invitae), Labcorp
Classification: Uncertain significance for Ehlers-Danlos syndrome, type 4. Last evaluated: 2023-10-28. Review status: criteria provided, single submitter. Criteria: Invitae Variant Classification Sherloc (09022015). Collection method: clinical testing. Allele origin: germline.
Comment: This sequence change replaces aspartic acid, which is acidic and polar, with tyrosine, which is neutral and polar, at codon 742 of the COL3A1 protein (p.Asp742Tyr). This variant is present in population databases (rs759018332, gnomAD 0.006%). This variant has not been reported in the literature in individuals affected with COL3A1-related conditions. Advanced modeling of protein sequence and biophysical properties (such as structural, functional, and spatial information, amino acid conservation, physicochemical variation, residue mobility, and thermodynamic stability) has been performed at Invitae for this missense variant, however the output from this modeling did not meet the statistical confidence thresholds required to predict the impact of this variant on COL3A1 protein function. In summary, the available evidence is currently insufficient to determine the role of this variant in disease. Therefore, it has been classified as a Variant of Uncertain Significance.

Literature cited by the submitters: PubMed 33161638 (cited by All of Us Research Program, National Institutes of Health).

NM_000090.4(COL3A1):c.2224G>T (p.Asp742Tyr)

Gene: COL3A1 (collagen type III alpha 1 chain; plus strand). Cytogenetic location: 2q32.2.
Variant type: single nucleotide variant.
Coding change: c.2224G>T on transcript NM_000090.4 (MANE Select); coding-DNA position 2224, G replaced by T.
Protein change: p.Asp742Tyr; replaces aspartic acid 742 with tyrosine.
Molecular consequence: missense variant.
Genome position (GRCh38, 1-based): chr2:188,999,572, G>T. VCF-style: chr2-188999572-G-T. GRCh37 (hg19) VCF-style: chr2-189864298-G-T.
Other names: short protein forms D742Y.
Identifiers: ClinVar variation 2976073 (VCV002976073.4), dbSNP rs759018332, ClinGen allele CA075070.